The following is an entry in ClinVar:

NM_020547.3(AMHR2):c.1219C>T (p.Arg407Ter)

Gene: AMHR2 (anti-Mullerian hormone receptor type 2; plus strand). Cytogenetic location: 12q13.13.
Variant type: single nucleotide variant.
Coding change: c.1219C>T on transcript NM_020547.3 (MANE Select); coding-DNA position 1219, C replaced by T.
Protein change: p.Arg407Ter; replaces arginine 407 with a stop codon.
Molecular consequence: nonsense. On other transcripts: intron variant (1).
Genome position (GRCh38, 1-based): chr12:53,429,909, C>T. VCF-style: chr12-53429909-C-T. GRCh37 (hg19) VCF-style: chr12-53823693-C-T.
Other names: c.1219C>T, p.Arg407Ter (NM_001164690.2); c.1140+284C>T (NM_001164691.2); short protein forms R407*.
Identifiers: ClinVar variation 3779441 (VCV003779441.2).

ClinVar aggregate classification (germline): Pathogenic. Review status: criteria provided, multiple submitters, no conflicts (2 of 4 stars). 2 submissions from 2 submitters: Pathogenic (2). Last evaluated 2025-03-26.

Conditions:
AMHR2-related disorder. Also called: AMHR2-related condition.
Persistent Mullerian duct syndrome (PMDS). Also called: PERSISTENT MULLERIAN DUCT SYNDROME, TYPES I AND II; FEMALE GENITAL DUCTS IN OTHERWISE NORMAL MALE; HERNIA UTERI INGUINALE; PERSISTENT OVIDUCT SYNDROME; PSEUDOHERMAPHRODITISM, MALE INTERNAL. Identifiers: Orphanet 2856, MedGen C1849930, MONDO:0009857, OMIM 261550.

Submissions (2):

PreventionGenetics, part of Exact Sciences
Classification: Pathogenic for AMHR2-related condition. Last evaluated: 2025-03-26. Review status: criteria provided, single submitter. Criteria: ACMG Guidelines, 2015. Collection method: clinical testing. Allele origin: germline.
Comment: The AMHR2 c.1219C>T variant is predicted to result in premature protein termination (p.Arg407*). This variant is alternatively referred to as 6053C>T in the literature. This variant has been reported in the homozygous state in several individuals with persistent Müllerian duct syndrome (PMDS, Abduljabbar et al. 2012. PubMed ID: 22584735; Nishi et al. 2012. PubMed ID: 23295284; Table S5, Gomes et al. 2022. PubMed ID: 35134971) and has been reported in the compound heterozygous state with another AMHR2 variant in two brothers, segregating with PMDS (Fang et al. 2021. PubMed ID: 34480531). This variant is reported in 0.0099% of alleles in individuals of Ashkenazi Jewish descent in gnomAD. Nonsense variants in AMHR2 are expected to be pathogenic. This variant is interpreted as pathogenic.

Department of Pathology and Laboratory Medicine, Sinai Health System
Classification: Pathogenic for persistent Mullerian duct syndrome. Last evaluated: 2023-09-05. Review status: criteria provided, single submitter. Criteria: ACMG Guidelines, 2015. Collection method: research. Allele origin: germline.